The following is an entry in ClinVar:

NM_001171613.2(PREPL):c.521G>C (p.Arg174Pro)

Gene: PREPL (prolyl endopeptidase like; minus strand). Cytogenetic location: 2p21.
Variant type: single nucleotide variant.
Coding change: c.521G>C on transcript NM_001171613.2 (MANE Select); coding-DNA position 521, G replaced by C.
Protein change: p.Arg174Pro; replaces arginine 174 with proline.
Molecular consequence: missense variant.
Genome position (GRCh38, 1-based): chr2:44,339,328, C>G on the plus strand (G>C on the coding strand, the complement: PREPL is on the minus strand). VCF-style: chr2-44339328-C-G. GRCh37 (hg19) VCF-style: chr2-44566467-C-G.
Other names: c.788G>C, p.Arg263Pro (NM_006036.4, NM_001042385.2, NM_001042386.2 and 4 more transcripts); c.521G>C, p.Arg174Pro (NM_001171617.1, NM_001374277.1); short protein forms R174P, R263P.
Identifiers: ClinVar variation 664239 (VCV000664239.9), dbSNP rs145964404, ClinGen allele CA346692353.

ClinVar aggregate classification (germline): Uncertain significance. Review status: criteria provided, multiple submitters, no conflicts (2 of 4 stars). 2 submissions from 2 submitters: Uncertain significance (2). Last evaluated 2023-05-31.

Conditions:
Myasthenic syndrome, congenital, 22 (CMS22). Also called: PREPL DEFICIENCY. Identifiers: MedGen C4479088, MONDO:0044299, OMIM 616224.
Inborn genetic diseases. Identifiers: MedGen C0950123, MeSH D030342.

Allele frequency attached by ClinVar (database versions not stated): TOPMed 0.00001.
gnomAD v4.1: 17 of 1,613,684 alleles (0.0011%); highest among the groups gnomAD compares: Non-Finnish European, 0.0014%; no homozygotes.

Submissions (2):

Ambry Genetics
Classification: Uncertain significance for Inborn genetic diseases. Last evaluated: 2023-05-31. Review status: criteria provided, single submitter. Criteria: Ambry Variant Classification Scheme 2023. Collection method: clinical testing. Allele origin: germline.

Labcorp Genetics (formerly Invitae), Labcorp
Classification: Uncertain significance for Myasthenic syndrome, congenital, 22. Last evaluated: 2022-08-20. Review status: criteria provided, single submitter. Criteria: Invitae Variant Classification Sherloc (09022015). Collection method: clinical testing. Allele origin: germline.
Comment: This sequence change replaces arginine, which is basic and polar, with proline, which is neutral and non-polar, at codon 263 of the PREPL protein (p.Arg263Pro). This variant is present in population databases (no rsID available, gnomAD 0.0009%). This missense change has been observed in individual(s) with clinical features of PREPL-related conditions (Invitae). ClinVar contains an entry for this variant (Variation ID: 664239). Algorithms developed to predict the effect of missense changes on protein structure and function are either unavailable or do not agree on the potential impact of this missense change (SIFT: "Deleterious"; PolyPhen-2: "Possibly Damaging"; Align-GVGD: "Class C0"). In summary, the available evidence is currently insufficient to determine the role of this variant in disease. Therefore, it has been classified as a Variant of Uncertain Significance.